The following is an entry in ClinVar:

ClinVar aggregate classification (germline): Uncertain significance. Review status: criteria provided, multiple submitters, no conflicts (2 of 4 stars). 2 submissions from 2 submitters: Uncertain significance (2). Last evaluated 2025-01-17.

Conditions:
Cardiovascular phenotype. Identifiers: MedGen CN230736.
Walker-Warburg congenital muscular dystrophy. Also called: Muscular dystrophy-dystroglycanopathy, type A; Walker-Warburg syndrome. Identifiers: Orphanet 899, MedGen C0265221, MONDO:0000171.

Allele frequency attached by ClinVar (database versions not stated): TOPMed below 0.00001; gnomAD 0.00001; gnomAD exomes 0.00001.

Submissions (2):

Ambry Genetics
Classification: Uncertain significance for Cardiovascular phenotype. Last evaluated: 2025-01-17. Review status: criteria provided, single submitter. Criteria: Ambry Variant Classification Scheme 2023. Collection method: clinical testing. Allele origin: germline.

Labcorp Genetics (formerly Invitae), Labcorp
Classification: Uncertain significance for Walker-Warburg congenital muscular dystrophy. Last evaluated: 2021-06-06. Review status: criteria provided, single submitter. Criteria: Invitae Variant Classification Sherloc (09022015). Collection method: clinical testing. Allele origin: germline.
Comment: This sequence change replaces glycine with arginine at codon 476 of the FKRP protein (p.Gly476Arg). The glycine residue is moderately conserved and there is a moderate physicochemical difference between glycine and arginine. This variant is not present in population databases (ExAC no frequency). This variant has not been reported in the literature in individuals with FKRP-related conditions. Algorithms developed to predict the effect of missense changes on protein structure and function are either unavailable or do not agree on the potential impact of this missense change (SIFT: "Tolerated"; PolyPhen-2: "Probably Damaging"; Align-GVGD: "Class C0"). In summary, the available evidence is currently insufficient to determine the role of this variant in disease. Therefore, it has been classified as a Variant of Uncertain Significance.

NM_024301.5(FKRP):c.1426G>A (p.Gly476Arg)

Gene: FKRP (fukutin related protein; plus strand). Cytogenetic location: 19q13.32.
Variant type: single nucleotide variant.
Coding change: c.1426G>A on transcript NM_024301.5 (MANE Select); coding-DNA position 1426, G replaced by A.
Protein change: p.Gly476Arg; replaces glycine 476 with arginine.
Molecular consequence: missense variant.
Genome position (GRCh38, 1-based): chr19:46,756,876, G>A. VCF-style: chr19-46756876-G-A. GRCh37 (hg19) VCF-style: chr19-47260133-G-A.
Other names: c.1426G>A (NM_024301.4); c.1426G>A, p.Gly476Arg (NM_001039885.3); short protein forms G476R.
Identifiers: ClinVar variation 1502805 (VCV001502805.9), dbSNP rs930285524, ClinGen allele CA309100088.